The following is an entry in ClinVar:

NM_005334.3(HCFC1):c.5035G>T (p.Ala1679Ser)

Gene: HCFC1 (host cell factor C1; minus strand). Cytogenetic location: Xq28.
Variant type: single nucleotide variant.
Coding change: c.5035G>T on transcript NM_005334.3 (MANE Select); coding-DNA position 5035, G replaced by T.
Protein change: p.Ala1679Ser; replaces alanine 1679 with serine.
Molecular consequence: missense variant.
Genome position (GRCh38, 1-based): chrX:153,952,066, C>A on the plus strand (G>T on the coding strand, the complement: HCFC1 is on the minus strand). VCF-style: chrX-153952066-C-A. GRCh37 (hg19) VCF-style: chrX-153217517-C-A.
Other names: c.5170G>T, p.Ala1724Ser (NM_001410705.1); short protein forms A1679S, A1724S.
Identifiers: ClinVar variation 3723573 (VCV003723573.2).

ClinVar aggregate classification (germline): Uncertain significance (1 of 4 stars; one submission).

Conditions:
Methylmalonic acidemia with homocystinuria, type cblX (MAHCX). Also called: INTELLECTUAL DEVELOPMENTAL DISORDER, X-LINKED 3. Identifiers: Orphanet 369962, MedGen C0796208, MONDO:0010657, OMIM 309541.

Submission:

Labcorp Genetics (formerly Invitae), Labcorp
Classification: Uncertain significance for Methylmalonic acidemia with homocystinuria, type cblX. Last evaluated: 2024-11-17. Review status: criteria provided, single submitter. Criteria: Invitae Variant Classification Sherloc (09022015). Collection method: clinical testing. Allele origin: germline.
Comment: This sequence change replaces alanine, which is neutral and non-polar, with serine, which is neutral and polar, at codon 1679 of the HCFC1 protein (p.Ala1679Ser). This variant is not present in population databases (gnomAD no frequency). This variant has not been reported in the literature in individuals affected with HCFC1-related conditions. An algorithm developed to predict the effect of missense changes on protein structure and function (PolyPhen-2) suggests that this variant is likely to be tolerated. In summary, the available evidence is currently insufficient to determine the role of this variant in disease. Therefore, it has been classified as a Variant of Uncertain Significance.